The following is an entry in ClinVar:

NM_003494.4(DYSF):c.-50T>A

Gene: DYSF (dysferlin; plus strand). Cytogenetic location: 2p13.2.
Variant type: single nucleotide variant.
Coding change: c.-50T>A on transcript NM_003494.4 (MANE Plus Clinical); 50 bases upstream of the start codon, T replaced by A.
Molecular consequence: 5 prime UTR variant.
Genome position (GRCh38, 1-based): chr2:71,453,949, T>A. VCF-style: chr2-71453949-T-A. GRCh37 (hg19) VCF-style: chr2-71681079-T-A.
Other names: c.-50T>A (NM_001130976.2, NM_001130977.2, NM_001130978.2 and 3 more transcripts).
Identifiers: ClinVar variation 510866 (VCV000510866.3), dbSNP rs758686196, ClinGen allele CA1705158.

ClinVar aggregate classification (germline): Likely benign (1 of 4 stars; one submission).

Allele frequency attached by ClinVar (database versions not stated): TOPMed 0.00002.
gnomAD v4.1: 31 of 1,600,472 alleles (0.0019%); highest among the groups gnomAD compares: East Asian, 0.069%; no homozygotes.

Submission:

GeneDx
Classification: Likely benign. Last evaluated: 2017-07-19. Review status: criteria provided, single submitter. Criteria: GeneDx Variant Classification (06012015). Collection method: clinical testing. Allele origin: germline. Affected: yes.
Comment: This variant is considered likely benign or benign based on one or more of the following criteria: it is a conservative change, it occurs at a poorly conserved position in the protein, it is predicted to be benign by multiple in silico algorithms, and/or has population frequency not consistent with disease.